The following is an entry in ClinVar:

NM_000548.5(TSC2):c.5260-15C>T

Genes: PKD1 (polycystin 1, transient receptor potential channel interacting; minus strand), TSC2 (TSC complex subunit 2; plus strand). Cytogenetic location: 16p13.3.
Variant type: single nucleotide variant.
Coding change: c.5260-15C>T on transcript NM_000548.5 (MANE Select); 15 bases into the intron before coding-DNA position 5260, C replaced by T.
Molecular consequence: intron variant.
Genome position (GRCh38, 1-based): chr16:2,088,431, C>T. VCF-style: chr16-2088431-C-T. GRCh37 (hg19) VCF-style: chr16-2138432-C-T.
Other names: c.5260-15C>T (NM_000548.4); c.5191-15C>T (NM_001114382.3); c.5131-15C>T (NM_021055.3); c.5119-15C>T (NM_001370405.1); c.5062-15C>T (NM_001363528.2); c.5128-15C>T (NM_001370404.1); c.5059-15C>T (NM_001077183.3); c.4951-15C>T (NM_001318827.2); and 3 more.
Identifiers: ClinVar variation 49975 (VCV000049975.59), dbSNP rs45517416, ClinGen allele CA022322.

ClinVar aggregate classification (germline): Benign/Likely benign. Review status: criteria provided, multiple submitters, no conflicts (2 of 4 stars). 17 submissions from 16 submitters: Benign (8); Likely benign (6). 3 of the submissions do not count toward it. Last evaluated 2026-02-04.

Conditions:
Polycystic kidney disease, adult type (PKD1). Also called: Polycystic Kidney, Autosomal Dominant; POLYCYSTIC KIDNEY DISEASE 1 WITH OR WITHOUT POLYCYSTIC LIVER DISEASE; Polycystic Kidney Disease 1, Autosomal Dominant; Polycystic kidney disease 1; Polycystic kidney disease 1, severe; POLYCYSTIC KIDNEY DISEASE, ADULT, TYPE I. Identifiers: MedGen C3149841, MONDO:0008263, OMIM 173900.
Tuberous sclerosis syndrome (TSC). Also called: Tuberous Sclerosis Complex; Tuberous sclerosis. Identifiers: Orphanet 805, MedGen C0041341, MONDO:0001734.
Tuberous sclerosis 2 (TSC2). Identifiers: Orphanet 805, MedGen C1860707, MONDO:0013199, OMIM 613254.

Allele frequency attached by ClinVar (database versions not stated): 1000 Genomes Project 30x 0.00125; gnomAD exomes 0.00130 and 0.00159; ESP Exome Variant Server 0.00131; gnomAD 0.00137 and 0.00138; TOPMed 0.00146; 1000 Genomes Project 0.00160; ExAC 0.00175.

Submissions (17):

Labcorp Genetics (formerly Invitae), Labcorp
Classification: Benign for Tuberous sclerosis 2. Last evaluated: 2026-02-04. Review status: criteria provided, single submitter. Criteria: Invitae Variant Classification Sherloc (09022015). Collection method: clinical testing. Allele origin: germline.

Myriad Genetics, Inc.
Classification: Benign for Tuberous sclerosis 2. Last evaluated: 2025-06-06. Review status: criteria provided, single submitter. Criteria: Myriad Autosomal Dominant, Autosomal Recessive and X-Linked Classification Criteria (2023). Collection method: clinical testing. Allele origin: unknown.
Comment: This variant is considered benign. This variant is intronic and is not expected to impact mRNA splicing. This variant has been observed at a population frequency that is significantly greater than expected given the associated disease prevalence and penetrance.

KCCC/NGS Laboratory, Kuwait Cancer Control Center
Classification: Benign for Polycystic kidney disease, adult type. Last evaluated: 2025-02-01. Review status: criteria provided, single submitter. Criteria: ACMG Guidelines, 2015. Collection method: clinical testing. Allele origin: germline. Affected: no.

Blueprint Genetics
Classification: Likely benign. Last evaluated: 2024-11-25. Review status: criteria provided, single submitter. Criteria: ACMG Guidelines, 2015. Collection method: clinical testing. Allele origin: germline.

ARUP Laboratories, Molecular Genetics and Genomics, ARUP Laboratories
Classification: Benign. Last evaluated: 2024-09-25. Review status: criteria provided, single submitter. Criteria: ARUP Molecular Germline Variant Investigation Process 2024. Collection method: clinical testing. Allele origin: germline.

KCCC/NGS Laboratory, Kuwait Cancer Control Center
Classification: Benign for Tuberous sclerosis 2. Last evaluated: 2023-07-07. Review status: criteria provided, single submitter. Criteria: ACMG Guidelines, 2015. Collection method: clinical testing. Allele origin: germline. Affected: yes.

Color Diagnostics, LLC DBA Color Health
Classification: Likely benign for Tuberous sclerosis syndrome. Last evaluated: 2022-11-06. Review status: criteria provided, single submitter. Criteria: ACMG Guidelines, 2015. Collection method: clinical testing. Allele origin: germline.

CeGaT Center for Human Genetics Tuebingen
Classification: Likely benign. Last evaluated: 2022-11-01. Review status: criteria provided, single submitter. Criteria: CeGaT Center For Human Genetics Tuebingen Variant Classification Criteria Version 2. Collection method: clinical testing. Allele origin: germline. Affected: yes. Observed: 3 variant alleles.
Comment: TSC2: BS1

Department of Pathology and Laboratory Medicine, Sinai Health System
Classification: Benign for tuberous sclerosis. Last evaluated: 2022-06-21. Review status: criteria provided, single submitter. Criteria: ACMG Guidelines, 2015. Collection method: clinical testing. Allele origin: germline. Affected: yes.

Genome-Nilou Lab
Classification: Benign for Tuberous sclerosis 2. Last evaluated: 2021-11-07. Review status: criteria provided, single submitter. Criteria: ACMG Guidelines, 2015. Collection method: clinical testing. Allele origin: germline. Affected: no.

Illumina Laboratory Services, Illumina
Classification: Likely benign for Tuberous sclerosis syndrome. Last evaluated: 2018-02-22. Review status: criteria provided, single submitter. Criteria: ICSL Variant Classification Criteria 13 December 2019. Collection method: clinical testing. Allele origin: germline.
Comment: This variant was observed as part of a predisposition screen in an ostensibly healthy population. A literature search was performed for the gene, cDNA change, and amino acid change (where applicable). Publications were found based on this search. The evidence from the literature, in combination with allele frequency data from public databases where available, was sufficient to determine this variant is unlikely to cause disease. Therefore, this variant is classified as likely benign.

Laboratory for Molecular Medicine, Mass General Brigham Personalized Medicine
Classification: Likely benign. Last evaluated: 2015-08-06. Review status: criteria provided, single submitter. Criteria: LMM Criteria. Collection method: clinical testing. Allele origin: germline. Observed: 1 variant allele.
Comment: c.5260-15C>T in intron 41 of TSC2: This variant is not expected to have clinical significance because a C>T change at this position does not diverge from the sp lice consensus sequence and is therefore unlikely to impact splicing. It has bee n identified in 0.2% (132/65448) of European chromosomes by the Exome Aggregatio n Consortium (ExAC; dbSNP rs45517416).

GeneDx
Classification: Benign. Last evaluated: 2013-04-08. Review status: criteria provided, single submitter. Criteria: GeneDx Variant Classification (06012015). Collection method: clinical testing. Allele origin: germline. Affected: yes.
Comment: This variant is considered likely benign or benign based on one or more of the following criteria: it is a conservative change, it occurs at a poorly conserved position in the protein, it is predicted to be benign by multiple in silico algorithms, and/or has population frequency not consistent with disease.

PreventionGenetics, part of Exact Sciences
Classification: Likely benign. Review status: criteria provided, single submitter. Criteria: ACMG Guidelines, 2015. Collection method: clinical testing. Allele origin: germline.

Clinical Genetics DNA and cytogenetics Diagnostics Lab, Erasmus MC, Erasmus Medical Center
Classification: Benign. Review status: no assertion criteria provided. Collection method: clinical testing. Allele origin: germline. Affected: yes. Study: VKGL Data-share Consensus. Not counted in ClinVar's aggregate classification.

Genome Diagnostics Laboratory, Amsterdam University Medical Center
Classification: Likely benign. Review status: no assertion criteria provided. Collection method: clinical testing. Allele origin: germline. Affected: yes. Study: VKGL Data-share Consensus. Not counted in ClinVar's aggregate classification.

Tuberous sclerosis database (TSC2)
No classification provided. Condition: TSC. Review status: no classification provided. Criteria: Tuberous Sclerosis Database Assertion Criteria 2015. Collection method: curation. Allele origin: germline. Affected: yes. Not counted in ClinVar's aggregate classification.

Literature cited by the submitters: PubMed 18032745 (cited by Illumina Laboratory Services, Illumina); PubMed 9242607 (cited by Illumina Laboratory Services, Illumina); PubMed 16114042 (cited by Illumina Laboratory Services, Illumina).